The following is an entry in ClinVar:

ClinVar aggregate classification (germline): Conflicting classifications of pathogenicity. Review status: criteria provided, conflicting classifications (1 of 4 stars). 2 submissions from 2 submitters: Uncertain significance (1); Likely benign (1). Last evaluated 2023-03-23.

Conditions:
Hereditary cancer-predisposing syndrome. Also called: Tumor predisposition; Hereditary neoplastic syndrome; Neoplastic Syndromes, Hereditary; Hereditary Cancer Syndrome. Identifiers: Orphanet 140162, MedGen C0027672, MeSH D009386, MONDO:0015356.
Hereditary breast ovarian cancer syndrome. Also called: BRCA1- and BRCA2-Associated Hereditary Breast and Ovarian Cancer; Hereditary breast and ovarian cancer; Hereditary breast and ovarian cancer syndrome; Breast and ovarian cancer; Hereditary breast and/or ovarian cancer syndrome; Hereditary breast and ovarian cancer syndrome (HBOC). Identifiers: Orphanet 145, MedGen C0677776, MeSH D061325, MONDO:0003582. Disease mechanism: loss of function.

Allele frequency attached by ClinVar (database versions not stated): gnomAD exomes below 0.00001.
gnomAD v4.1: 1 of 1,604,908 alleles (0.000062%); highest among the groups gnomAD compares: Admixed American, 0.0017%; no homozygotes.

Submissions (2):

University of Washington Department of Laboratory Medicine, University of Washington
Classification: Likely benign for Hereditary cancer-predisposing syndrome. Last evaluated: 2023-03-23. Review status: criteria provided, single submitter. Criteria: Dines et al. (Genet Med. 2020). Collection method: curation. Allele origin: germline.
Comment: Missense variant in a coldspot region where missense variants are very unlikely to be pathogenic (PMID:31911673).

BRCA2 exon 10 coldspot. Reclassification based on statistical prior probability.

Labcorp Genetics (formerly Invitae), Labcorp
Classification: Uncertain significance for Hereditary breast ovarian cancer syndrome. Last evaluated: 2020-02-29. Review status: criteria provided, single submitter. Criteria: Invitae Variant Classification Sherloc (09022015). Collection method: clinical testing. Allele origin: germline.
Comment: In summary, the available evidence is currently insufficient to determine the role of this variant in disease. Therefore, it has been classified as a Variant of Uncertain Significance. Algorithms developed to predict the effect of missense changes on protein structure and function (SIFT, PolyPhen-2, Align-GVGD) all suggest that this variant is likely to be tolerated, but these predictions have not been confirmed by published functional studies and their clinical significance is uncertain. This variant has not been reported in the literature in individuals with BRCA2-related conditions. This variant is not present in population databases (ExAC no frequency). This sequence change replaces proline with arginine at codon 606 of the BRCA2 protein (p.Pro606Arg). The proline residue is weakly conserved and there is a moderate physicochemical difference between proline and arginine.

NM_000059.4(BRCA2):c.1817C>G (p.Pro606Arg)

Gene: BRCA2 (BRCA2 DNA repair associated; plus strand). Cytogenetic location: 13q13.1.
Variant type: single nucleotide variant.
Coding change: c.1817C>G on transcript NM_000059.4 (MANE Select); coding-DNA position 1817, C replaced by G.
Protein change: p.Pro606Arg; replaces proline 606 with arginine.
Molecular consequence: missense variant.
Genome position (GRCh38, 1-based): chr13:32,333,295, C>G. VCF-style: chr13-32333295-C-G. GRCh37 (hg19) VCF-style: chr13-32907432-C-G.
Other names: short protein forms P606R.
Identifiers: ClinVar variation 1008590 (VCV001008590.10), dbSNP rs80358469, ClinGen allele CA387766031.